The following is an entry in ClinVar:

ClinVar aggregate classification (germline): Uncertain significance (1 of 4 stars; one submission).

Conditions:
Chédiak-Higashi syndrome (CHS). Also called: Chediak-Higashi Syndrome. Identifiers: Orphanet 167, MedGen C0007965, MONDO:0008963, OMIM 214500.

Allele frequency attached by ClinVar (database versions not stated): gnomAD exomes below 0.00001.
gnomAD v4.1: 1 of 1,613,834 alleles (0.000062%); highest among the groups gnomAD compares: South Asian, 0.0011%; no homozygotes.

Submission:

Labcorp Genetics (formerly Invitae), Labcorp
Classification: Uncertain significance for Chédiak-Higashi syndrome. Last evaluated: 2022-07-17. Review status: criteria provided, single submitter. Criteria: Invitae Variant Classification Sherloc (09022015). Collection method: clinical testing. Allele origin: germline.
Comment: This sequence change replaces arginine, which is basic and polar, with cysteine, which is neutral and slightly polar, at codon 968 of the LYST protein (p.Arg968Cys). This variant is not present in population databases (gnomAD no frequency). This variant has not been reported in the literature in individuals affected with LYST-related conditions. Algorithms developed to predict the effect of missense changes on protein structure and function output the following: SIFT: "Deleterious"; PolyPhen-2: "Possibly Damaging"; Align-GVGD: "Class C0". The cysteine amino acid residue is found in multiple mammalian species, which suggests that this missense change does not adversely affect protein function. In summary, the available evidence is currently insufficient to determine the role of this variant in disease. Therefore, it has been classified as a Variant of Uncertain Significance.

NM_000081.4(LYST):c.2902C>T (p.Arg968Cys)

Gene: LYST (lysosomal trafficking regulator; minus strand). Cytogenetic location: 1q42.3.
Variant type: single nucleotide variant.
Coding change: c.2902C>T on transcript NM_000081.4 (MANE Select); coding-DNA position 2902, C replaced by T.
Protein change: p.Arg968Cys; replaces arginine 968 with cysteine.
Molecular consequence: missense variant.
Genome position (GRCh38, 1-based): chr1:235,806,234, G>A on the plus strand (C>T on the coding strand, the complement: LYST is on the minus strand). VCF-style: chr1-235806234-G-A. GRCh37 (hg19) VCF-style: chr1-235969534-G-A.
Other names: c.2902C>T, p.Arg968Cys (NM_001301365.1); short protein forms R968C.
Identifiers: ClinVar variation 1950203 (VCV001950203.2), dbSNP rs1672819345, ClinGen allele CA344954736.
Genomic context (GRCh38, chr1:235,806,234, plus strand): 5'-GGAAACCACCAAGCCTATAAAACTGTTTCTGGAACACTGAACTCAACATGTAGATCCAAC[G>A]ACACATAGACCAAATGTCTGCTGCTTGGTGCATATGTTCAGGAGAAGGCAAGACAAGGCT-3'
Protein context (NP_000072.2, residues 958-978): HQAADIWSMC[Arg968Cys]WIYMLSSVFQ